The following is an entry in ClinVar:

ClinVar aggregate classification (germline): Uncertain significance (1 of 4 stars; one submission).

Conditions:
Hereditary spastic paraplegia 4. Also called: Spastic paraplegia 4, autosomal dominant; Spastic Paraplegia 4; Familial spastic paraplegia autosomal dominant 2. Identifiers: Orphanet 100985, MedGen C1866855, MONDO:0008438, OMIM 182601.

Submission:

Labcorp Genetics (formerly Invitae), Labcorp
Classification: Uncertain significance for Hereditary spastic paraplegia 4. Last evaluated: 2019-08-12. Review status: criteria provided, single submitter. Criteria: Invitae Variant Classification Sherloc (09022015). Collection method: clinical testing. Allele origin: germline.
Comment: This sequence change replaces serine with arginine at codon 410 of the SPAST protein (p.Ser410Arg). The serine residue is highly conserved and there is a moderate physicochemical difference between serine and arginine. In summary, the available evidence is currently insufficient to determine the role of this variant in disease. Therefore, it has been classified as a Variant of Uncertain Significance. Algorithms developed to predict the effect of missense changes on protein structure and function are either unavailable or do not agree on the potential impact of this missense change (SIFT: "Deleterious"; PolyPhen-2: "Probably Damaging"; Align-GVGD: "Class C15"). This variant has been observed in an individual affected with hereditary spastic paraplegia (PMID: 20932283). This variant is not present in population databases (ExAC no frequency).

Literature cited by the submitters: PubMed 20932283.

NM_014946.4(SPAST):c.1228A>C (p.Ser410Arg)

Gene: SPAST (spastin; plus strand). Cytogenetic location: 2p22.3.
Variant type: single nucleotide variant.
Coding change: c.1228A>C on transcript NM_014946.4 (MANE Select); coding-DNA position 1228, A replaced by C.
Protein change: p.Ser410Arg; replaces serine 410 with arginine.
Molecular consequence: missense variant.
Genome position (GRCh38, 1-based): chr2:32,128,462, A>C. VCF-style: chr2-32128462-A-C. GRCh37 (hg19) VCF-style: chr2-32353531-A-C.
Other names: c.1225A>C, p.Ser409Arg (NM_001363823.2); c.1129A>C, p.Ser377Arg (NM_001363875.2); c.1132A>C, p.Ser378Arg (NM_001377959.1, NM_199436.2); short protein forms S377R, S410R, S378R, S409R.
Identifiers: ClinVar variation 963588 (VCV000963588.9), dbSNP rs1679266894, ClinGen allele CA346501478.
Genomic context (GRCh38, chr2:32,128,462, plus strand): 5'-TTAAAGGCTAAAGCAGTAGCTGCAGAATCGAATGCAACCTTCTTTAATATAAGTGCTGCA[A>C]GTTTAACTTCAAAATACGTGAGTGCTCTGTTTCCAATATTGTCGTATTTTAAGTTACTGT-3'
Protein context (NP_055761.2, residues 400-420): NATFFNISAA[Ser410Arg]LTSKYVGEGE